The following is an entry in ClinVar:

ClinVar aggregate classification (germline): Pathogenic (1 of 4 stars; one submission).

Conditions:
Ataxia-telangiectasia syndrome (AT). Also called: Cerebello-oculocutaneous telangiectasia; Immunodeficiency with ataxia telangiectasia; AT, COMPLEMENTATION GROUP C; Ataxia-telangiectasia, complementation group E; LOUIS-BAR SYNDROME; ATAXIA-TELANGIECTASIA, COMPLEMENTATION GROUP A. Identifiers: Orphanet 100, MedGen C0004135, MONDO:0008840, OMIM 208900.

Submission:

Labcorp Genetics (formerly Invitae), Labcorp
Classification: Pathogenic for Ataxia-telangiectasia syndrome. Last evaluated: 2021-03-14. Review status: criteria provided, single submitter. Criteria: Invitae Variant Classification Sherloc (09022015). Collection method: clinical testing. Allele origin: germline.
Comment: This sequence change creates a premature translational stop signal (p.Thr1908Lysfs*9) in the ATM gene. It is expected to result in an absent or disrupted protein product. Loss-of-function variants in ATM are known to be pathogenic (PMID: 23807571, 25614872). This variant is not present in population databases (ExAC no frequency). This variant has not been reported in the literature in individuals with ATM-related conditions. For these reasons, this variant has been classified as Pathogenic.

Literature cited by the submitters: PubMed 23807571; PubMed 25614872.

NM_000051.4(ATM):c.5723del (p.Thr1908fs)

Gene: ATM (ATM serine/threonine kinase; plus strand). Cytogenetic location: 11q22.3.
Variant type: Deletion.
Coding change: c.5723del on transcript NM_000051.4 (MANE Select); coding-DNA position 5723, one base deleted (C; older notation c.5723delC).
Protein change: p.Thr1908fs; shifts the reading frame from threonine 1908.
Molecular consequence: frameshift variant.
Genome position (GRCh38, 1-based): chr11:108,307,945, C deleted. VCF-style (leftmost placement, unchanged base first): chr11-108307944-AC-A. GRCh37 (hg19) VCF-style: chr11-108178671-AC-A.
Other names: c.5723del, p.Thr1908fs (NM_001351834.2); short protein forms T1908fs.
Identifiers: ClinVar variation 1367365 (VCV001367365.6), dbSNP rs2135977126, ClinGen allele CA2573146690.